The following is an entry in ClinVar:

NM_020297.4(ABCC9):c.2748G>A (p.Arg916=)

Gene: ABCC9 (ATP binding cassette subfamily C member 9; minus strand). Cytogenetic location: 12p12.1.
Variant type: single nucleotide variant.
Coding change: c.2748G>A on transcript NM_020297.4 (MANE Select); coding-DNA position 2748, G replaced by A.
Protein change: p.Arg916=; no amino-acid change (arginine 916 retained).
Molecular consequence: synonymous variant.
Genome position (GRCh38, 1-based): chr12:21,852,118, C>T on the plus strand (G>A on the coding strand, the complement: ABCC9 is on the minus strand). VCF-style: chr12-21852118-C-T. GRCh37 (hg19) VCF-style: chr12-22005052-C-T.
Other names: c.2748G>A, p.Arg916= (NM_001377273.1, NM_005691.4); c.1881G>A, p.Arg627= (NM_001377274.1).
Identifiers: ClinVar variation 5039659 (VCV005039659.1).
Genomic context (GRCh38, chr12:21,852,118, plus strand): 5'-GAATTGGGCTCTGAACTCTTCTGAACTATGAGCACTTACCTTTTCTAATTCTTGATCTTG[C>T]CGATTCATAAGTGTTTTCCAGTGTTCATAAAGCTCAACATCTTTGGTTTGAATGTCCTTC-3'
Protein context (NP_064693.2, residues 906-926): LYEHWKTLMN[Arg916=]QDQELEKDME

ClinVar aggregate classification (germline): Likely benign (1 of 4 stars; one submission).

Submission:

CeGaT Center for Human Genetics Tuebingen
Classification: Likely benign. Last evaluated: 2026-07-01. Review status: criteria provided, single submitter. Criteria: CeGaT Center For Human Genetics Tuebingen Variant Classification Criteria Version 2. Collection method: clinical testing. Allele origin: germline. Affected: yes. Observed: 1 variant allele.
Comment: ABCC9: PM2:Supporting, BP4, BP7